The following is an entry in ClinVar:

NM_004370.6(COL12A1):c.3892C>A (p.Pro1298Thr)

Gene: COL12A1 (collagen type XII alpha 1 chain; minus strand). Cytogenetic location: 6q13.
Variant type: single nucleotide variant.
Coding change: c.3892C>A on transcript NM_004370.6 (MANE Select); coding-DNA position 3892, C replaced by A.
Protein change: p.Pro1298Thr; replaces proline 1298 with threonine.
Molecular consequence: missense variant.
Genome position (GRCh38, 1-based): chr6:75,151,975, G>T on the plus strand (C>A on the coding strand, the complement: COL12A1 is on the minus strand). VCF-style: chr6-75151975-G-T. GRCh37 (hg19) VCF-style: chr6-75861691-G-T.
Other names: c.400C>A, p.Pro134Thr (NM_080645.3); short protein forms P1298T, P134T.
Identifiers: ClinVar variation 567246 (VCV000567246.9), dbSNP rs376766442, ClinGen allele CA364748294.

ClinVar aggregate classification (germline): Uncertain significance (1 of 4 stars; one submission).

Conditions:
Ullrich congenital muscular dystrophy 2 (UCMD2). Identifiers: Orphanet 75840, MedGen C4225314, MONDO:0014654, OMIM 616470.
Bethlem myopathy 2 (BTHLM2). Identifiers: Orphanet 536516, Orphanet 610, MedGen C4225313, MONDO:0034022, OMIM 616471.

Submission:

Labcorp Genetics (formerly Invitae), Labcorp
Classification: Uncertain significance for Bethlem myopathy 2; Ullrich congenital muscular dystrophy 2. Last evaluated: 2018-02-07. Review status: criteria provided, single submitter. Criteria: Invitae Variant Classification Sherloc (09022015). Collection method: clinical testing. Allele origin: germline.
Comment: In summary, the available evidence is currently insufficient to determine the role of this variant in disease. Therefore, it has been classified as a Variant of Uncertain Significance. Algorithms developed to predict the effect of missense changes on protein structure and function do not agree on the potential impact of this missense change (SIFT: "Deleterious"; PolyPhen-2: "Benign"; Align-GVGD: "Class C0"). This variant has not been reported in the literature in individuals with COL12A1-related disease. This variant is not present in population databases (ExAC no frequency). This sequence change replaces proline with threonine at codon 1298 of the COL12A1 protein (p.Pro1298Thr). The proline residue is moderately conserved and there is a small physicochemical difference between proline and threonine.